The following is an entry in ClinVar:

NM_001365276.2(TNXB):c.6293dup (p.Glu2100fs)

Gene: TNXB (tenascin XB; minus strand). Cytogenetic location: 6p21.33.
Variant type: Duplication.
Coding change: c.6293dup on transcript NM_001365276.2 (MANE Select); coding-DNA position 6293, one base duplicated (T; older notation c.6293dupT).
Protein change: p.Glu2100fs; shifts the reading frame from glutamic acid 2100.
Molecular consequence: frameshift variant.
Genome position (GRCh38, 1-based): chr6:32,067,912, A duplicated on the plus strand (T on the coding strand, the reverse complement: TNXB is on the minus strand). VCF-style (leftmost placement, unchanged base first): chr6-32067911-C-CA. GRCh37 (hg19) VCF-style: chr6-32035688-C-CA.
Other names: c.6293dupT (NM_019105.6, NM_019105.8); c.6293dup, p.Glu2100fs (NM_019105.8); short protein forms E2100fs.
Identifiers: ClinVar variation 1326137 (VCV001326137.9), dbSNP rs764867655, ClinGen allele CA3734474.

ClinVar aggregate classification (germline): Pathogenic/Likely pathogenic. Review status: criteria provided, multiple submitters, no conflicts (2 of 4 stars). 4 submissions from 4 submitters: Pathogenic (2); Likely pathogenic (2). Last evaluated 2026-09-24.

Conditions:
Ehlers-Danlos syndrome due to tenascin-X deficiency (EDSCLL1). Also called: EDS DUE TO TNX DEFICIENCY; TNXB-Related Classical-Like Ehlers-Danlos Syndrome; EHLERS-DANLOS SYNDROME, CLASSIC-LIKE; Ehlers-Danlos syndrome, classic-like, 1; TNX DEFICIENCY. Identifiers: Orphanet 230839, MedGen C1848029, MONDO:0011670, OMIM 606408.
Vesicoureteral reflux 8 (VUR8). Identifiers: Orphanet 289365, MedGen C4014831, MONDO:0014422, OMIM 615963.
Cardiovascular phenotype. Identifiers: MedGen CN230736.

Allele frequency attached by ClinVar (database versions not stated): gnomAD exomes 0.00001; gnomAD 0.00002; TOPMed 0.00003; ExAC 0.00003.

Submissions (4):

GeneDx
Classification: Likely pathogenic. Last evaluated: 2026-09-24. Review status: criteria provided, single submitter. Criteria: GeneDx Variant Classification Process June 2021. Collection method: clinical testing. Allele origin: germline.
Comment: Frameshift variant predicted to result in protein truncation or nonsense mediated decay in a gene for which loss of function is a known mechanism of disease; Not observed at significant frequency in large population cohorts (gnomAD); Has not been previously published as pathogenic or benign to our knowledge

Ambry Genetics
Classification: Pathogenic for Cardiovascular phenotype. Last evaluated: 2025-06-06. Review status: criteria provided, single submitter. Criteria: Ambry Variant Classification Scheme 2023. Collection method: clinical testing. Allele origin: germline.
Comment: The c.6293dupT variant, located in coding exon 17 of the TNXB gene, results from a duplication of T at nucleotide position 6293, causing a translational frameshift with a predicted alternate stop codon (p.E2100Gfs*10). This variant is considered to be rare based on population cohorts in the Genome Aggregation Database (gnomAD). This alteration is expected to result in loss of function by premature protein truncation or nonsense-mediated mRNA decay. As such, this alteration is interpreted as a disease-causing mutation.

Women's Health and Genetics/Laboratory Corporation of America, LabCorp
Classification: Pathogenic for Ehlers-Danlos syndrome due to tenascin-X deficiency. Last evaluated: 2024-08-09. Review status: criteria provided, single submitter. Criteria: LabCorp Variant Classification Summary - May 2015. Collection method: clinical testing. Allele origin: germline.
Comment: Variant summary: TNXB c.6293dupT (p.Glu2100GlyfsX10) results in a premature termination codon, predicted to cause absence of the protein due to nonsense mediated decay, which is a commonly known mechanism for disease. The variant allele was found at a frequency of 1.2e-05 in 245780 control chromosomes. To our knowledge, no occurrence of c.6293dupT in individuals affected with Ehlers-Danlos-like syndrome and no experimental evidence demonstrating its impact on protein function have been reported. ClinVar contains an entry for this variant (Variation ID: 1326137). Based on the evidence outlined above, the variant was classified as pathogenic.

Fulgent Genetics
Classification: Likely pathogenic for Ehlers-Danlos syndrome due to tenascin-X deficiency; Vesicoureteral reflux 8. Last evaluated: 2024-01-11. Review status: criteria provided, single submitter. Criteria: ACMG Guidelines, 2015. Collection method: clinical testing. Allele origin: germline.